The following is an entry in ClinVar:

ClinVar aggregate classification (germline): Likely benign. Review status: criteria provided, single submitter (1 of 4 stars). 2 submissions from 2 submitters: Likely benign (1). 1 of the submissions does not count toward it. Last evaluated 2023-12-13.

Conditions:
CBX2-related disorder. Also called: CBX2-related condition.

Allele frequency attached by ClinVar (database versions not stated): ExAC 0.00004; gnomAD exomes 0.00008; gnomAD 0.00046 and 0.00048; 1000 Genomes Project 30x 0.00047; 1000 Genomes Project 0.00060; TOPMed 0.00088.
gnomAD v4.1: 151 of 1,612,568 alleles (0.0094%); highest among the groups gnomAD compares: Admixed American, 0.092%; no homozygotes.

Submissions (2):

Labcorp Genetics (formerly Invitae), Labcorp
Classification: Likely benign. Last evaluated: 2023-12-13. Review status: criteria provided, single submitter. Criteria: Invitae Variant Classification Sherloc (09022015). Collection method: clinical testing. Allele origin: germline.

PreventionGenetics, part of Exact Sciences
Classification: Likely benign for CBX2-related condition. Last evaluated: 2019-11-21. Review status: no assertion criteria provided. Collection method: clinical testing. Allele origin: germline. Not counted in ClinVar's aggregate classification.
Comment: This variant is classified as likely benign based on ACMG/AMP sequence variant interpretation guidelines (Richards et al. 2015 PMID: 25741868, with internal and published modifications).

NM_005189.3(CBX2):c.1146G>A (p.Pro382=)

Gene: CBX2 (chromobox 2; plus strand). Cytogenetic location: 17q25.3.
Variant type: single nucleotide variant.
Coding change: c.1146G>A on transcript NM_005189.3 (MANE Select); coding-DNA position 1146, G replaced by A.
Protein change: p.Pro382=; no amino-acid change (proline 382 retained).
Molecular consequence: synonymous variant.
Genome position (GRCh38, 1-based): chr17:79,784,589, G>A. VCF-style: chr17-79784589-G-A. GRCh37 (hg19) VCF-style: chr17-77758388-G-A.
Other names: c.1146G>A (NM_005189.2).
Identifiers: ClinVar variation 1559855 (VCV001559855.10), dbSNP rs562593022, ClinGen allele CA8811437.